The following is an entry in ClinVar:

ClinVar aggregate classification (germline): Likely benign (1 of 4 stars; one submission).

Allele frequency attached by ClinVar (database versions not stated): TOPMed 0.00586; 1000 Genomes Project 0.00799; 1000 Genomes Project 30x 0.00843.

Submission:

GeneDx
Classification: Likely benign. Last evaluated: 2021-09-10. Review status: criteria provided, single submitter. Criteria: GeneDx Variant Classification Process June 2021. Collection method: clinical testing. Allele origin: germline. Affected: yes.
Comment: See Variant Classification Assertion Criteria.

NM_015046.7(SETX):c.-8+135C>T

Gene: SETX (senataxin; minus strand). Cytogenetic location: 9q34.13.
Variant type: single nucleotide variant.
Coding change: c.-8+135C>T on transcript NM_015046.7 (MANE Select); 135 bases into the intron after 8 bases upstream of the start codon, C replaced by T.
Molecular consequence: intron variant.
Genome position (GRCh38, 1-based): chr9:132,353,514, G>A on the plus strand (C>T on the coding strand, the complement: SETX is on the minus strand). VCF-style: chr9-132353514-G-A. GRCh37 (hg19) VCF-style: chr9-135228901-G-A.
Other names: c.-8+135C>T (NM_001351528.2, NM_001351527.2).
Identifiers: ClinVar variation 1693016 (VCV001693016.2), dbSNP rs113077071, ClinGen allele CA200841852.